The following is an entry in ClinVar:

NM_015335.5(MED13L):c.1036G>A (p.Ala346Thr)

Gene: MED13L (mediator complex subunit 13L; minus strand). Cytogenetic location: 12q24.21.
Variant type: single nucleotide variant.
Coding change: c.1036G>A on transcript NM_015335.5 (MANE Select); coding-DNA position 1036, G replaced by A.
Protein change: p.Ala346Thr; replaces alanine 346 with threonine.
Molecular consequence: missense variant.
Genome position (GRCh38, 1-based): chr12:116,015,248, C>T on the plus strand (G>A on the coding strand, the complement: MED13L is on the minus strand). VCF-style: chr12-116015248-C-T. GRCh37 (hg19) VCF-style: chr12-116453053-C-T.
Other names: short protein forms A346T.
Identifiers: ClinVar variation 5020974 (VCV005020974.1).

ClinVar aggregate classification (germline): Uncertain significance (1 of 4 stars; one submission).

Submission:

Dasa
Classification: Uncertain significance. Last evaluated: 2025-04-04. Review status: criteria provided, single submitter. Criteria: DASA Assertion Criteria. Collection method: clinical testing. Allele origin: germline.
Comment: NM_015335.5(MED13L):c.1036G>A (p.Ala346Thr) is a missense variant that results in the substitution of alanine with threonine. This variant is absent from population databases. Computational prediction algorithms are consistent with a benign effect. The currently available literature and clinical evidence are not sufficient to establish a definitive association between this variant and the reported condition. Therefore, this variant is classified as a variant of uncertain significance.